The following is an entry in ClinVar:

ClinVar aggregate classification (germline): Pathogenic (1 of 4 stars; one submission).

Conditions:
Hereditary cancer-predisposing syndrome. Also called: Tumor predisposition; Neoplastic Syndromes, Hereditary; Hereditary neoplastic syndrome; Hereditary Cancer Syndrome. Identifiers: Orphanet 140162, MedGen C0027672, MeSH D009386, MONDO:0015356.

Submission:

Labcorp Genetics (formerly Invitae), Labcorp
Classification: Pathogenic for Hereditary cancer-predisposing syndrome. Last evaluated: 2016-09-10. Review status: criteria provided, single submitter. Criteria: Invitae Variant Classification Sherloc (09022015). Collection method: clinical testing. Allele origin: germline.
Comment: A gross deletion of the genomic region encompassing the full coding sequence of the RAD50 gene has been identified. The boundaries of this event are unknown as the deletion extends beyond the assayed region for this gene and therefore may encompass additional genes. While this particular variant has not been reported in the literature, loss-of-function variants in RAD50 are known to be pathogenic (PMID: 19409520, 16385572). For these reasons, this variant has been classified as Pathogenic.

NC_000005.10:g.(?_132556924)_(132644621_?)del

Genes: TH2LCRR (T helper type 2 locus control region associated RNA; minus strand), TH2-LCR (Th2 cytokine locus control region; plus strand), RAD50 (RAD50 double strand break repair protein; plus strand). Cytogenetic location: 5q31.1.
Variant type: Deletion.
Identifiers: ClinVar variation 417427 (VCV000417427.1).